The following is an entry in ClinVar:

ClinVar aggregate classification (germline): Uncertain significance. Review status: criteria provided, multiple submitters, no conflicts (2 of 4 stars). 2 submissions from 2 submitters: Uncertain significance (2). Last evaluated 2025-11-24.

gnomAD v4.1: 73 of 1,611,986 alleles (0.0045%); highest among the groups gnomAD compares: South Asian, 0.012%; no homozygotes.

Submissions (2):

Ambry Genetics
Classification: Uncertain significance. Last evaluated: 2025-11-24. Review status: criteria provided, single submitter. Criteria: Ambry Variant Classification Scheme 2023. Collection method: clinical testing. Allele origin: germline.

Labcorp Genetics (formerly Invitae), Labcorp
Classification: Uncertain significance. Last evaluated: 2024-07-06. Review status: criteria provided, single submitter. Criteria: Invitae Variant Classification Sherloc (09022015). Collection method: clinical testing. Allele origin: germline.
Comment: This sequence change replaces arginine, which is basic and polar, with tryptophan, which is neutral and slightly polar, at codon 636 of the FUK protein (p.Arg636Trp). The frequency data for this variant in the population databases is considered unreliable, as metrics indicate poor data quality at this position in the gnomAD database. This variant has not been reported in the literature in individuals affected with FUK-related conditions. Algorithms developed to predict the effect of missense changes on protein structure and function output the following: SIFT: "Not Available"; PolyPhen-2: "Possibly Damaging"; Align-GVGD: "Not Available". The tryptophan amino acid residue is found in multiple mammalian species, which suggests that this missense change does not adversely affect protein function. In summary, the available evidence is currently insufficient to determine the role of this variant in disease. Therefore, it has been classified as a Variant of Uncertain Significance.

NM_145059.3(FCSK):c.1906C>T (p.Arg636Trp)

Gene: FCSK (fucose kinase; plus strand). Cytogenetic location: 16q22.1.
Variant type: single nucleotide variant.
Coding change: c.1906C>T on transcript NM_145059.3 (MANE Select); coding-DNA position 1906, C replaced by T.
Protein change: p.Arg636Trp; replaces arginine 636 with tryptophan.
Molecular consequence: missense variant.
Genome position (GRCh38, 1-based): chr16:70,474,257, C>T. VCF-style: chr16-70474257-C-T. GRCh37 (hg19) VCF-style: chr16-70508160-C-T.
Other names: c.1906C>T (NM_145059.2); short protein forms R636W.
Identifiers: ClinVar variation 3665811 (VCV003665811.3).